The following is an entry in ClinVar:

NM_006059.4(LAMC3):c.4040del (p.Leu1347fs)

Gene: LAMC3 (laminin subunit gamma 3; plus strand). Cytogenetic location: 9q34.12.
Variant type: Deletion.
Coding change: c.4040del on transcript NM_006059.4 (MANE Select); coding-DNA position 4040, one base deleted (T; older notation c.4040delT).
Protein change: p.Leu1347fs; shifts the reading frame from leucine 1347.
Molecular consequence: frameshift variant.
Genome position (GRCh38, 1-based): chr9:131,085,533, T deleted. VCF-style (leftmost placement, unchanged base first): chr9-131085532-CT-C. GRCh37 (hg19) VCF-style: chr9-133960919-CT-C.
Other names: short protein forms L1347fs.
Identifiers: ClinVar variation 4886447 (VCV004886447.2).

ClinVar aggregate classification (germline): Likely pathogenic (1 of 4 stars; one submission).

Submission:

Dasa
Classification: Likely pathogenic. Last evaluated: 2026-04-17. Review status: criteria provided, single submitter. Criteria: DASA Assertion Criteria. Collection method: clinical testing. Allele origin: germline.
Comment: NM_006059.4(LAMC3):c.4040del (p.Leu1347Argfs*70) is a frameshift variant in LAMC3 predicted to alter the reading frame and introduce a premature termination codon and is predicted to result in an absent or altered protein product. Loss of function is an established disease mechanism for LAMC3-associated disorders. Also, this variant is rare in population databases. Based on the currently available evidence, this variant is classified as likely pathogenic.